The following is an entry in ClinVar:

ClinVar aggregate classification (germline): Uncertain significance. Review status: criteria provided, single submitter (1 of 4 stars). 2 submissions from 2 submitters: Uncertain significance (1). 1 of the submissions does not count toward it. Last evaluated 2024-02-24.

Conditions:
SERPING1-related disorder. Also called: SERPING1-related condition.

Submissions (2):

Labcorp Genetics (formerly Invitae), Labcorp
Classification: Uncertain significance. Last evaluated: 2024-02-24. Review status: criteria provided, single submitter. Criteria: Invitae Variant Classification Sherloc (09022015). Collection method: clinical testing. Allele origin: germline.
Comment: This variant, c.43_45dup, results in the insertion of 1 amino acid(s) of the SERPING1 protein (p.Leu15dup), but otherwise preserves the integrity of the reading frame. This variant is not present in population databases (gnomAD no frequency). This variant has not been reported in the literature in individuals affected with SERPING1-related conditions. Experimental studies and prediction algorithms are not available or were not evaluated, and the functional significance of this variant is currently unknown. In summary, the available evidence is currently insufficient to determine the role of this variant in disease. Therefore, it has been classified as a Variant of Uncertain Significance.

PreventionGenetics, part of Exact Sciences
Classification: Uncertain significance for SERPING1-related condition. Last evaluated: 2024-04-02. Review status: no assertion criteria provided. Collection method: clinical testing. Allele origin: germline. Not counted in ClinVar's aggregate classification.
Comment: The SERPING1 c.43_45dupCTG variant is predicted to result in an in-frame duplication (p.Leu15dup). To our knowledge, this variant has not been reported in the literature or in a large population database, indicating this variant is rare. At this time, the clinical significance of this variant is uncertain due to the absence of conclusive functional and genetic evidence.

NM_000062.3(SERPING1):c.31CTG[6] (p.Leu15dup)

Gene: SERPING1 (serpin family G member 1; plus strand). Cytogenetic location: 11q12.1.
Variant type: Microsatellite.
Coding change: c.31CTG[6] on transcript NM_000062.3 (MANE Select); six copies in a row of the 3-base unit CTG starting at c.31; the reference has five copies in a row; one copy, 3 bases duplicated.
Protein change: p.Leu15dup; duplicates leucine 15.
Molecular consequence: inframe insertion.
Genome position (GRCh38, 1-based): chr11:57,598,313-57,598,315, CTG duplicated; duplicating any 3 consecutive bases within chr11:57,598,301-57,598,315 gives the same sequence; the position shown is the placement nearest the transcript's 3' end. VCF-style (leftmost placement, unchanged base first): chr11-57598300-C-CCTG. GRCh37 (hg19) VCF-style: chr11-57365773-C-CCTG.
Other names: c.43_45dupCTG (NM_000062.2); c.31CTG[6], p.Leu15dup (NM_001032295.2).
Identifiers: ClinVar variation 1380534 (VCV001380534.9), dbSNP rs758086092, ClinGen allele CA1975521520.
Genomic context (GRCh38, chr11:57,598,300, plus strand): 5'-GCTCCGCAGGTCCGCTGACGTCGCCGCCCAGATGGCCTCCAGGCTGACCCTGCTGACCCT[C>CCTG]CTGCTGCTGCTGCTGGCTGGGGTATGTGGTCCCTTGTGGGATGGGGGACGGGGGTGGAGA-3'